The following is an entry in ClinVar:

ClinVar aggregate classification (germline): Uncertain significance (1 of 4 stars; one submission).

Conditions:
Combined immunodeficiency due to LRBA deficiency. Also called: Common variable immunodeficiency 8, with autoimmunity. Identifiers: Orphanet 445018, MedGen C3553512, MONDO:0013863, OMIM 614700.

Allele frequency attached by ClinVar (database versions not stated): gnomAD exomes below 0.00001; TOPMed below 0.00001.
gnomAD v4.1: 1 of 1,613,844 alleles (0.000062%); highest among the groups gnomAD compares: Non-Finnish European, 0.000085%; no homozygotes.

Submission:

Labcorp Genetics (formerly Invitae), Labcorp
Classification: Uncertain significance for Combined immunodeficiency due to LRBA deficiency. Last evaluated: 2020-08-10. Review status: criteria provided, single submitter. Criteria: Invitae Variant Classification Sherloc (09022015). Collection method: clinical testing. Allele origin: germline.
Comment: This sequence change replaces tyrosine with cysteine at codon 2288 of the LRBA protein (p.Tyr2288Cys). The tyrosine residue is moderately conserved and there is a large physicochemical difference between tyrosine and cysteine. This variant is not present in population databases (ExAC no frequency). This variant has not been reported in the literature in individuals with LRBA-related conditions. Algorithms developed to predict the effect of missense changes on protein structure and function are either unavailable or do not agree on the potential impact of this missense change (SIFT: "Deleterious"; PolyPhen-2: "Possibly Damaging"; Align-GVGD: "Class C0"). In summary, the available evidence is currently insufficient to determine the role of this variant in disease. Therefore, it has been classified as a Variant of Uncertain Significance.

NM_001364905.1(LRBA):c.6830A>G (p.Tyr2277Cys)

Gene: LRBA (LPS responsive beige-like anchor protein; minus strand). Cytogenetic location: 4q31.3.
Variant type: single nucleotide variant.
Coding change: c.6830A>G on transcript NM_001364905.1 (MANE Select); coding-DNA position 6830, A replaced by G.
Protein change: p.Tyr2277Cys; replaces tyrosine 2277 with cysteine.
Molecular consequence: missense variant.
Genome position (GRCh38, 1-based): chr4:150,436,815, T>C on the plus strand (A>G on the coding strand, the complement: LRBA is on the minus strand). VCF-style: chr4-150436815-T-C. GRCh37 (hg19) VCF-style: chr4-151357967-T-C.
Other names: c.6830A>G, p.Tyr2277Cys (NM_001199282.3, NM_001367550.1); c.6863A>G, p.Tyr2288Cys (NM_006726.5); short protein forms Y2277C, Y2288C.
Identifiers: ClinVar variation 998494 (VCV000998494.8), dbSNP rs1751169644, ClinGen allele CA358600466.